The following is an entry in ClinVar:

ClinVar aggregate classification (germline): Uncertain significance. Review status: criteria provided, multiple submitters, no conflicts (2 of 4 stars). 4 submissions from 4 submitters: Uncertain significance (4). Last evaluated 2024-12-17.

Conditions:
Nephrotic syndrome, type 10 (NPHS10). Identifiers: MedGen C4014507, MONDO:0014373, OMIM 615861.

Allele frequency attached by ClinVar (database versions not stated): ESP Exome Variant Server 0.00015; 1000 Genomes Project 30x 0.00016; 1000 Genomes Project 0.00020.
gnomAD v4.1: 191 of 1,613,870 alleles (0.012%); highest among the groups gnomAD compares: Middle Eastern, 0.27%; no homozygotes.

Submissions (5):

Ambry Genetics
Classification: Uncertain significance. Last evaluated: 2024-12-17. Review status: criteria provided, single submitter. Criteria: Ambry Variant Classification Scheme 2023. Collection method: clinical testing. Allele origin: germline.

Blueprint Genetics
Classification: Uncertain significance. Last evaluated: 2024-11-26. Review status: criteria provided, single submitter. Criteria: ACMG Guidelines, 2015. Collection method: clinical testing. Allele origin: germline.

Labcorp Genetics (formerly Invitae), Labcorp
Classification: Uncertain significance. Last evaluated: 2022-07-17. Review status: criteria provided, single submitter. Criteria: Invitae Variant Classification Sherloc (09022015). Collection method: clinical testing. Allele origin: germline.
Comment: This sequence change replaces alanine, which is neutral and non-polar, with valine, which is neutral and non-polar, at codon 63 of the EMP2 protein (p.Ala63Val). This variant is present in population databases (rs150986636, gnomAD 0.1%). This variant has not been reported in the literature in individuals affected with EMP2-related conditions. Algorithms developed to predict the effect of missense changes on protein structure and function are either unavailable or do not agree on the potential impact of this missense change (SIFT: "Deleterious"; PolyPhen-2: "Benign"; Align-GVGD: "Class C0"). In summary, the available evidence is currently insufficient to determine the role of this variant in disease. Therefore, it has been classified as a Variant of Uncertain Significance.

Revvity Omics, Revvity
Classification: Uncertain significance for Nephrotic syndrome, type 10. Last evaluated: 2021-12-02. Review status: criteria provided, single submitter. Criteria: ACMG Guidelines, 2015. Collection method: clinical testing. Allele origin: germline.

Dr. Peter K. Rogan Lab, Western University
No classification provided (evidence only). Condition: Sarcoma. Review status: no classification provided. Collection method: in vitro. Allele origin: not applicable. Functional consequence: skipped exon. Not counted in ClinVar's aggregate classification.

NM_001424.6(EMP2):c.188C>T (p.Ala63Val)

Gene: EMP2 (epithelial membrane protein 2; minus strand). Cytogenetic location: 16p13.13.
Variant type: single nucleotide variant.
Coding change: c.188C>T on transcript NM_001424.6 (MANE Select); coding-DNA position 188, C replaced by T.
Protein change: p.Ala63Val; replaces alanine 63 with valine.
Molecular consequence: missense variant.
Genome position (GRCh38, 1-based): chr16:10,538,056, G>A on the plus strand (C>T on the coding strand, the complement: EMP2 is on the minus strand). VCF-style: chr16-10538056-G-A. GRCh37 (hg19) VCF-style: chr16-10631913-G-A.
Other names: short protein forms A63V.
Identifiers: ClinVar variation 2038102 (VCV002038102.8), dbSNP rs150986636, ClinGen allele CA7897818.